The following is an entry in ClinVar:

NM_000246.4(CIITA):c.1508A>C (p.Glu503Ala)

Gene: CIITA (class II major histocompatibility complex transactivator; plus strand). Cytogenetic location: 16p13.13.
Variant type: single nucleotide variant.
Coding change: c.1508A>C on transcript NM_000246.4 (MANE Select); coding-DNA position 1508, A replaced by C.
Protein change: p.Glu503Ala; replaces glutamic acid 503 with alanine.
Molecular consequence: missense variant. On other transcripts: intron variant (1).
Genome position (GRCh38, 1-based): chr16:10,907,000, A>C. VCF-style: chr16-10907000-A-C. GRCh37 (hg19) VCF-style: chr16-11000857-A-C.
Other names: c.1511A>C, p.Glu504Ala (NM_001286402.1, NM_001379332.1); c.1364A>C, p.Glu455Ala (NM_001379330.1); c.1361A>C, p.Glu454Ala (NM_001379331.1); c.1508A>C, p.Glu503Ala (NM_001379333.1); c.1439A>C, p.Glu480Ala (NM_001379334.1); c.860-1983A>C (NM_001286403.2); short protein forms E455A, E480A, E503A, E454A, E504A.
Identifiers: ClinVar variation 1407470 (VCV001407470.6), dbSNP rs773203401, ClinGen allele CA7900153.

ClinVar aggregate classification (germline): Uncertain significance (1 of 4 stars; one submission).

Conditions:
MHC class II deficiency. Also called: BLS, TYPE II; Bare lymphocyte syndrome 2. Identifiers: Orphanet 572, MedGen C5447452, MONDO:0008855.

Allele frequency attached by ClinVar (database versions not stated): gnomAD exomes below 0.00001 and 0.00001; ExAC 0.00002.
gnomAD v4.1: 5 of 1,610,192 alleles (0.00031%); highest among the groups gnomAD compares: Non-Finnish European, 0.00034%; no homozygotes.

Submission:

Labcorp Genetics (formerly Invitae), Labcorp
Classification: Uncertain significance for MHC class II deficiency. Last evaluated: 2022-07-18. Review status: criteria provided, single submitter. Criteria: Invitae Variant Classification Sherloc (09022015). Collection method: clinical testing. Allele origin: germline.
Comment: This sequence change replaces glutamic acid, which is acidic and polar, with alanine, which is neutral and non-polar, at codon 503 of the CIITA protein (p.Glu503Ala). This variant is present in population databases (rs773203401, gnomAD 0.002%). This variant has not been reported in the literature in individuals affected with CIITA-related conditions. ClinVar contains an entry for this variant (Variation ID: 1407470). Algorithms developed to predict the effect of missense changes on protein structure and function are either unavailable or do not agree on the potential impact of this missense change (SIFT: "Tolerated"; PolyPhen-2: "Possibly Damaging"; Align-GVGD: "Class C0"). In summary, the available evidence is currently insufficient to determine the role of this variant in disease. Therefore, it has been classified as a Variant of Uncertain Significance.